The following is an entry in ClinVar:

ClinVar aggregate classification (germline): Likely benign (1 of 4 stars; one submission).

gnomAD v4.1: 3 of 1,614,042 alleles (0.00019%); highest among the groups gnomAD compares: Admixed American, 0.0017%; no homozygotes.

Submission:

CeGaT Center for Human Genetics Tuebingen
Classification: Likely benign. Last evaluated: 2022-05-01. Review status: criteria provided, single submitter. Criteria: CeGaT Center For Human Genetics Tuebingen Variant Classification Criteria Version 2. Collection method: clinical testing. Allele origin: germline. Affected: yes. Observed: 1 variant allele.
Comment: AUH: BP4, BP7

NM_001698.3(AUH):c.825G>C (p.Ala275=)

Gene: AUH (AU RNA binding methylglutaconyl-CoA hydratase; minus strand). Cytogenetic location: 9q22.31.
Variant type: single nucleotide variant.
Coding change: c.825G>C on transcript NM_001698.3 (MANE Select); coding-DNA position 825, G replaced by C.
Protein change: p.Ala275=; no amino-acid change (alanine 275 retained).
Molecular consequence: synonymous variant.
Genome position (GRCh38, 1-based): chr9:91,220,823, C>G on the plus strand (G>C on the coding strand, the complement: AUH is on the minus strand). VCF-style: chr9-91220823-C-G. GRCh37 (hg19) VCF-style: chr9-93983105-C-G.
Other names: c.738G>C, p.Ala246= (NM_001306190.2); c.498G>C, p.Ala166= (NM_001351431.2, NM_001351432.2, NM_001351433.2).
Identifiers: ClinVar variation 1695255 (VCV001695255.31), dbSNP rs781471363, ClinGen allele CA466225516.
Genomic context (GRCh38, chr9:91,220,823, plus strand): 5'-TTCCTAAAATGAGAAAAAATAAACTCATTTAATGAGAAATACCTGAGGTAAAAACTCTCT[C>G]GCCAGGTCCAAGGCCTTCCTGTAGGCCGCGTCTCCCTCCTGGTTCTGTTCCAGAACGTGG-3'
Protein context (NP_001689.1, residues 265-285): DAAYRKALDL[Ala275=]REFLPQGPVA